The following is an entry in ClinVar:

NM_001009944.3(PKD1):c.4055G>A (p.Ser1352Asn)

Gene: PKD1 (polycystin 1, transient receptor potential channel interacting; minus strand). Cytogenetic location: 16p13.3.
Variant type: single nucleotide variant.
Coding change: c.4055G>A on transcript NM_001009944.3 (MANE Select); coding-DNA position 4055, G replaced by A.
Protein change: p.Ser1352Asn; replaces serine 1352 with asparagine.
Molecular consequence: missense variant.
Genome position (GRCh38, 1-based): chr16:2,111,112, C>T on the plus strand (G>A on the coding strand, the complement: PKD1 is on the minus strand). VCF-style: chr16-2111112-C-T. GRCh37 (hg19) VCF-style: chr16-2161113-C-T.
Other names: c.4055G>A, p.Ser1352Asn (NM_000296.4); short protein forms S1352N.
Identifiers: ClinVar variation 381479 (VCV000381479.26), dbSNP rs141274774, ClinGen allele CA7832507.
Genomic context (GRCh38, chr16:2,111,112, plus strand): 5'-GTGAAGTAATGCGCCCTGTTCACGCGGCTGGACAGCACCAGCGCCAGGGGGAACGTGCCG[C>T]TCCGCGTGAAGTTGTGTGTCACCGTCGGGCACCCCCGCACGGTCGTGTTGGAGGAGCCAT-3'
Protein context (NP_001009944.3, residues 1342-1362): CPTVTHNFTR[Ser1352Asn]GTFPLALVLS

ClinVar aggregate classification (germline): Conflicting classifications of pathogenicity. Review status: criteria provided, conflicting classifications (1 of 4 stars). 9 submissions from 9 submitters: Uncertain significance (2); Likely benign (4). 3 of the submissions do not count toward it. Last evaluated 2025-06-18.

Conditions:
Polycystic kidney disease, adult type (PKD1). Also called: POLYCYSTIC KIDNEY DISEASE 1 WITH OR WITHOUT POLYCYSTIC LIVER DISEASE; Polycystic Kidney, Autosomal Dominant; POLYCYSTIC KIDNEY DISEASE, ADULT, TYPE I; Polycystic Kidney Disease 1, Autosomal Dominant; Polycystic kidney disease 1; Polycystic kidney disease 1, severe. Identifiers: MedGen C3149841, MONDO:0008263, OMIM 173900.
PKD1-related disorder. Also called: PKD1-related condition.

Allele frequency attached by ClinVar (database versions not stated): 1000 Genomes Project 30x 0.00016; 1000 Genomes Project 0.00020; gnomAD exomes 0.00065 and 0.00112; gnomAD 0.00067 and 0.00073; TOPMed 0.00067; ExAC 0.00078; ESP Exome Variant Server 0.00100.
gnomAD v4.1: 1,709 of 1,610,832 alleles (0.11%); highest among the groups gnomAD compares: Non-Finnish European, 0.14%; 2 homozygotes.

Submissions (9):

Women's Health and Genetics/Laboratory Corporation of America, LabCorp
Classification: Uncertain significance. Last evaluated: 2025-06-18. Review status: criteria provided, single submitter. Criteria: LabCorp Variant Classification Summary - May 2015. Collection method: clinical testing. Allele origin: germline.
Comment: Variant summary: PKD1 c.4055G>A (p.Ser1352Asn) results in a conservative amino acid change in the encoded protein sequence. Algorithms developed to predict the effect of missense changes on protein structure and function all suggest that this variant is likely to be tolerated. The variant allele was found at a frequency of 0.00065 in 247902 control chromosomes, predominantly at a frequency of 0.0012 within the Non-Finnish European subpopulation in the gnomAD database. This frequency is not significantly higher than estimated for a pathogenic variant in PKD1 causing PKD1-Biallelic Autosomal Recessive Polycystic Kidney Disease, allowing no conclusion about variant significance. To our knowledge, no occurrence of c.4055G>A in individuals affected with PKD1-Biallelic Autosomal Recessive Polycystic Kidney Disease and no experimental evidence demonstrating its impact on protein function have been reported. ClinVar contains an entry for this variant (Variation ID: 381479). Based on the evidence outlined above, the variant was classified as uncertain significance.

CeGaT Center for Human Genetics Tuebingen
Classification: Likely benign. Last evaluated: 2025-06-01. Review status: criteria provided, single submitter. Criteria: CeGaT Center For Human Genetics Tuebingen Variant Classification Criteria Version 2. Collection method: clinical testing. Allele origin: germline. Affected: yes. Observed: 1 variant allele.
Comment: PKD1: BP4

Department of Pathology and Laboratory Medicine, Sinai Health System
Classification: Likely benign for Polycystic kidney disease, adult type. Last evaluated: 2023-07-13. Review status: criteria provided, single submitter. Criteria: ACMG Guidelines, 2015. Collection method: clinical testing. Allele origin: germline. Affected: yes.

GeneDx
Classification: Likely benign. Last evaluated: 2020-11-24. Review status: criteria provided, single submitter. Criteria: GeneDx Variant Classification Process June 2021. Collection method: clinical testing. Allele origin: germline. Affected: yes.
Comment: This variant is associated with the following publications: (PMID: 30413633, 25646624)

ARUP Laboratories, Molecular Genetics and Genomics, ARUP Laboratories
Classification: Uncertain significance for Polycystic kidney disease, adult type. Last evaluated: 2019-03-15. Review status: criteria provided, single submitter. Criteria: ARUP Molecular Germline Variant Investigation Process. Collection method: clinical testing. Allele origin: germline.
Comment: The PKD1 c.4055G>A; p.Ser1352Asn variant (rs141274774) is reported in the literature in several individuals affected with autosomal dominant polycystic kidney disease, although its clinical significance was not conclusively determined (Eisenberger 2015, Rossetti 2007). This variant is found in the non-Finnish European population with an overall allele frequency of 0.13% (162/126792 alleles) in the Genome Aggregation Database. The serine at codon 1352 is moderately conserved and computational analyses (SIFT, PolyPhen-2) predict that this variant is tolerated. However, due to limited information, the clinical significance of the p.Ser1352Asn variant is uncertain at this time. References: Eisenberger T et al. An efficient and comprehensive strategy for genetic diagnostics of polycystic kidney disease. PLoS One. 2015 Feb 3;10(2):e0116680. Rossetti S et al. Comprehensive molecular diagnostics in autosomal dominant polycystic kidney disease. J Am Soc Nephrol. 2007 Jul;18(7):2143-60.

Athena Diagnostics
Classification: Likely benign. Last evaluated: 2018-12-07. Review status: criteria provided, single submitter. Criteria: Athena Diagnostics Criteria. Collection method: clinical testing. Allele origin: germline.

PreventionGenetics, part of Exact Sciences
Classification: Likely benign for PKD1-related condition. Last evaluated: 2023-12-13. Review status: no assertion criteria provided. Collection method: clinical testing. Allele origin: germline. Not counted in ClinVar's aggregate classification.
Comment: This variant is classified as likely benign based on ACMG/AMP sequence variant interpretation guidelines (Richards et al. 2015 PMID: 25741868, with internal and published modifications).

Diagnostic Laboratory, Department of Genetics, University Medical Center Groningen
Classification: Uncertain significance. Review status: no assertion criteria provided. Collection method: clinical testing. Allele origin: germline. Affected: yes. Study: VKGL Data-share Consensus. Not counted in ClinVar's aggregate classification.

Laboratory of Diagnostic Genome Analysis, Leiden University Medical Center (LUMC)
Classification: Uncertain significance. Review status: no assertion criteria provided. Collection method: clinical testing. Allele origin: germline. Affected: yes. Study: VKGL Data-share Consensus. Not counted in ClinVar's aggregate classification.

Literature cited by the submitters: PubMed 17582161 (cited by Department of Pathology and Laboratory Medicine, Sinai Health System and Athena Diagnostics); PubMed 25646624 (cited by Department of Pathology and Laboratory Medicine, Sinai Health System and Athena Diagnostics).